The following is an entry in ClinVar:

ClinVar aggregate classification (germline): Uncertain significance (1 of 4 stars; one submission).

Conditions:
Catecholaminergic polymorphic ventricular tachycardia 1. Also called: VENTRICULAR TACHYCARDIA, CATECHOLAMINERGIC POLYMORPHIC, 1, WITH OR WITHOUT ATRIAL DYSFUNCTION AND/OR DILATED CARDIOMYOPATHY; VENTRICULAR TACHYCARDIA, STRESS-INDUCED POLYMORPHIC 1; RYR2-Related Catecholaminergic Polymorphic Ventricular Tachycardia. Identifiers: Orphanet 3286, MedGen C1631597, MONDO:0011484, OMIM 604772.

Submission:

Labcorp Genetics (formerly Invitae), Labcorp
Classification: Uncertain significance for Catecholaminergic polymorphic ventricular tachycardia 1. Last evaluated: 2024-10-14. Review status: criteria provided, single submitter. Criteria: Invitae Variant Classification Sherloc (09022015). Collection method: clinical testing. Allele origin: germline.
Comment: This sequence change creates a premature translational stop signal (p.Ala3344Glyfs*12) in the RYR2 gene. It is expected to result in an absent or disrupted protein product. However, the current clinical and genetic evidence is not sufficient to establish whether loss-of-function variants in RYR2 cause disease. This variant is not present in population databases (gnomAD no frequency). This variant has not been reported in the literature in individuals affected with RYR2-related conditions. ClinVar contains an entry for this variant (Variation ID: 2131549). In summary, the available evidence is currently insufficient to determine the role of this variant in disease. Therefore, it has been classified as a Variant of Uncertain Significance.

NM_001035.3(RYR2):c.10031_10034del (p.Ala3344fs)

Gene: RYR2 (ryanodine receptor 2; plus strand). Cytogenetic location: 1q43.
Variant type: Deletion.
Coding change: c.10031_10034del on transcript NM_001035.3 (MANE Select); coding-DNA positions 10031 to 10034, 4 bases deleted (CCAG; older notation c.10031_10034delCCAG).
Protein change: p.Ala3344fs; shifts the reading frame from alanine 3344.
Molecular consequence: frameshift variant.
Genome position (GRCh38, 1-based): chr1:237,708,987-237,708,990, CCAG deleted; deleting any 4 consecutive bases within chr1:237,708,986-237,708,990 gives the same sequence; the c. name uses the placement nearest the transcript's 3' end. VCF-style (leftmost placement, unchanged base first): chr1-237708985-GGCCA-G. GRCh37 (hg19) VCF-style: chr1-237872285-GGCCA-G.
Other names: short protein forms A3344fs.
Identifiers: ClinVar variation 2131549 (VCV002131549.4), dbSNP rs2547412104, ClinGen allele CA2580062434.